The following is an entry in ClinVar:

ClinVar aggregate classification (germline): Conflicting classifications of pathogenicity. Review status: criteria provided, conflicting classifications (1 of 4 stars). 4 submissions from 4 submitters: Likely pathogenic (2); Uncertain significance (2). Last evaluated 2025-12-15.

Conditions:
Waardenburg syndrome 2F. Also called: Waardenburg syndrome, IIa 2F. Identifiers: MedGen C5677013, MONDO:0030983, OMIM 619947.
Autosomal dominant nonsyndromic hearing loss 69. Also called: Deafness, autosomal dominant 69; Deafness, autosomal dominant 69, unilateral or asymmetric. Identifiers: Orphanet 90635, MedGen C4225241, MONDO:0014738, OMIM 616697.

Allele frequency attached by ClinVar (database versions not stated): TOPMed 0.00003; ExAC 0.00004; gnomAD 0.00006; gnomAD exomes 0.00007.
gnomAD v4.1: 110 of 1,596,622 alleles (0.0069%); highest among the groups gnomAD compares: Non-Finnish European, 0.0092%; no homozygotes.

Submissions (4):

Labcorp Genetics (formerly Invitae), Labcorp
Classification: Uncertain significance. Last evaluated: 2025-12-15. Review status: criteria provided, single submitter. Criteria: Invitae Variant Classification Sherloc (09022015). Collection method: clinical testing. Allele origin: germline.
Comment: This sequence change affects an acceptor splice site in intron 7 of the KITLG gene. It is expected to disrupt RNA splicing. Variants that disrupt the donor or acceptor splice site typically lead to a loss of protein function (PMID: 16199547), however the current clinical and genetic evidence is not sufficient to establish whether loss-of-function variants in KITLG cause disease. This variant is present in population databases (rs768146588, gnomAD 0.02%). Disruption of this splice site has been observed in individual(s) with deafness (PMID: 33229591). ClinVar contains an entry for this variant (Variation ID: 2504286). Algorithms developed to predict the effect of sequence changes on RNA splicing suggest that this variant may disrupt the consensus splice site. In summary, the available evidence is currently insufficient to determine the role of this variant in disease. Therefore, it has been classified as a Variant of Uncertain Significance.

First Genomix Gene Laboratory, Genetic Diagnostics Department
Classification: Likely pathogenic for Waardenburg syndrome 2F. Last evaluated: 2025-01-28. Review status: criteria provided, single submitter. Criteria: ACMG Guidelines, 2015. Collection method: clinical testing. Allele origin: germline. Inheritance: Autosomal recessive inheritance. Affected: no. Observed: 1 variant allele.

GeneDx
Classification: Uncertain significance. Last evaluated: 2024-11-13. Review status: criteria provided, single submitter. Criteria: GeneDx Variant Classification Process June 2021. Collection method: clinical testing. Allele origin: germline. Affected: yes.
Comment: Reported in a patient with age-related hearing loss in published literature (PMID: 33229591); Canonical splice site variant in a gene or region of a gene for which loss of function is not a well-established mechanism of disease; This variant is associated with the following publications: (PMID: 33229591)

Center for Human Genetics and Genomic Medicine, Uniklinik Rwth Aachen
Classification: Likely pathogenic for Autosomal dominant nonsyndromic hearing loss 69. Last evaluated: 2020-09-09. Review status: criteria provided, single submitter. Criteria: ACMG Guidelines, 2015. Collection method: clinical testing. Allele origin: paternal. Inheritance: Autosomal dominant inheritance. Affected: yes. Observed: 1 heterozygote.
Comment: The detected alteration is reported in the dbSNP database (dbSNP151) as rs768146588. It has been detected in the general population at a frequency of 0.0070845% (20/282286) (gnomAD/Genomes+Exomes v2.1.1). The variant has not yet been described in the ClinVar database. (as of 04/19/2023) The variant has been reported once in the literature in a patient with DFNA694. Bioinformatic prediction tools predict a negative effect on the canonical acceptor splice site of exon 8 (SSF, MaxENT). Splice variants of the canonical ± 1 or 2 splice site in a gene (and inheritance) matching the phenotype, where loss-of-function alterations are a known pathomechanism, are highly likely to have pathogenetic relevance. Based on the current state of knowledge, the variant has been classified as "likely pathogenic".

Literature cited by the submitters: PubMed 16199547 (cited by Labcorp Genetics (formerly Invitae), Labcorp); PubMed 33229591 (cited by Labcorp Genetics (formerly Invitae), Labcorp).

NM_000899.5(KITLG):c.715-2A>G

Gene: KITLG (KIT ligand; minus strand). Cytogenetic location: 12q21.32.
Variant type: single nucleotide variant.
Coding change: c.715-2A>G on transcript NM_000899.5 (MANE Select); the canonical splice acceptor site of the intron before coding-DNA position 715, A replaced by G.
Molecular consequence: splice acceptor variant.
Genome position (GRCh38, 1-based): chr12:88,506,380, T>C on the plus strand (A>G on the coding strand, the complement: KITLG is on the minus strand). VCF-style: chr12-88506380-T-C. GRCh37 (hg19) VCF-style: chr12-88900157-T-C.
Other names: c.631-2A>G (NM_003994.6).
Identifiers: ClinVar variation 2504286 (VCV002504286.8), dbSNP rs768146588, ClinGen allele CA6713602.